The following is an entry in ClinVar:

ClinVar aggregate classification (germline): Likely benign (0 of 4 stars; one submission).

Conditions:
LRP1-related disorder. Also called: LRP1-related condition.

Allele frequency attached by ClinVar (database versions not stated): ExAC 0.00007.
gnomAD v4.1: 131 of 1,613,906 alleles (0.0081%); highest among the groups gnomAD compares: South Asian, 0.051%; 1 homozygote.

Submission:

PreventionGenetics, part of Exact Sciences
Classification: Likely benign for LRP1-related condition. Last evaluated: 2019-02-19. Review status: no assertion criteria provided. Collection method: clinical testing. Allele origin: germline.
Comment: This variant is classified as likely benign based on ACMG/AMP sequence variant interpretation guidelines (Richards et al. 2015 PMID: 25741868, with internal and published modifications).

NM_002332.3(LRP1):c.4606+8G>T

Gene: LRP1 (LDL receptor related protein 1; plus strand). Cytogenetic location: 12q13.3.
Variant type: single nucleotide variant.
Coding change: c.4606+8G>T on transcript NM_002332.3 (MANE Select); 8 bases into the intron after coding-DNA position 4606, G replaced by T.
Molecular consequence: intron variant.
Genome position (GRCh38, 1-based): chr12:57,178,611, G>T. VCF-style: chr12-57178611-G-T. GRCh37 (hg19) VCF-style: chr12-57572394-G-T.
Identifiers: ClinVar variation 3047112 (VCV003047112.2), dbSNP rs749620364, ClinGen allele CA6643309.